The following is an entry in ClinVar:

NM_001287491.2(TET3):c.23del (p.Leu8fs)

Gene: TET3 (tet methylcytosine dioxygenase 3; plus strand). Cytogenetic location: 2p13.1.
Variant type: Deletion.
Coding change: c.23del on transcript NM_001287491.2 (MANE Select); coding-DNA position 23, one base deleted (T; older notation c.23delT).
Protein change: p.Leu8fs; shifts the reading frame from leucine 8.
Molecular consequence: frameshift variant.
Genome position (GRCh38, 1-based): chr2:73,986,426, T deleted. VCF-style (leftmost placement, unchanged base first): chr2-73986425-CT-C. GRCh37 (hg19) VCF-style: chr2-74213552-CT-C.
Other names: short protein forms L8fs.
Identifiers: ClinVar variation 2636362 (VCV002636362.1), dbSNP rs2467149880, ClinGen allele CA2695200834.
Genomic context (GRCh38, chr2:73,986,425, plus strand): 5'-TTCTGCCCCAGCACCTATGACCCCACCTCTGGCAGCATCATGAGCCAGTTTCAGGTGCCC[CT>C]GGCCGTCCAGCCGGACCTGCCAGGCCTTTATGACTTCCCTCAGCGCCAGGTGATGGTAGG-3'

ClinVar aggregate classification (germline): Uncertain significance (1 of 4 stars; one submission).

Conditions:
TET3-related disorder. Also called: TET3-related condition; TET3-Related Disease.

Submission:

PreventionGenetics, part of Exact Sciences
Classification: Uncertain significance for TET3-related condition. Last evaluated: 2022-09-19. Review status: criteria provided, single submitter. Criteria: ACMG Guidelines, 2015. Collection method: clinical testing. Allele origin: germline.
Comment: The TET3 c.23delT variant is predicted to result in a frameshift and premature protein termination (p.Leu8Argfs*18). To our knowledge, this variant has not been reported in the literature or in a large population database, indicating this variant is rare. Although we suspect that this variant may be pathogenic, at this time, the clinical significance of this variant is uncertain due to the absence of conclusive functional and genetic evidence.